The following is an entry in ClinVar:

ClinVar aggregate classification (germline): Uncertain significance. Review status: criteria provided, multiple submitters, no conflicts (2 of 4 stars). 2 submissions from 2 submitters: Uncertain significance (2). Last evaluated 2024-12-19.

Conditions:
Hereditary cancer-predisposing syndrome. Also called: Neoplastic Syndromes, Hereditary; Tumor predisposition; Hereditary Cancer Syndrome; Hereditary neoplastic syndrome. Identifiers: Orphanet 140162, MedGen C0027672, MeSH D009386, MONDO:0015356.

Allele frequency attached by ClinVar (database versions not stated): gnomAD exomes below 0.00001.
gnomAD v4.1: 1 of 1,614,002 alleles (0.000062%); highest among the groups gnomAD compares: Non-Finnish European, 0.000085%; no homozygotes.

Submissions (2):

Ambry Genetics
Classification: Uncertain significance for Hereditary cancer-predisposing syndrome. Last evaluated: 2024-12-19. Review status: criteria provided, single submitter. Criteria: Ambry Variant Classification Scheme 2023. Collection method: clinical testing. Allele origin: germline.
Comment: The p.Q361R variant (also known as c.1082A>G), located in coding exon 8 of the RAD50 gene, results from an A to G substitution at nucleotide position 1082. The glutamine at codon 361 is replaced by arginine, an amino acid with highly similar properties. This amino acid position is conserved. In addition, this alteration is predicted to be tolerated by in silico analysis. Since supporting evidence is limited at this time, the clinical significance of this alteration remains unclear.

Labcorp Genetics (formerly Invitae), Labcorp
Classification: Uncertain significance for Hereditary cancer-predisposing syndrome. Last evaluated: 2022-06-13. Review status: criteria provided, single submitter. Criteria: Invitae Variant Classification Sherloc (09022015). Collection method: clinical testing. Allele origin: germline.
Comment: In summary, the available evidence is currently insufficient to determine the role of this variant in disease. Therefore, it has been classified as a Variant of Uncertain Significance. Algorithms developed to predict the effect of missense changes on protein structure and function (SIFT, PolyPhen-2, Align-GVGD) all suggest that this variant is likely to be tolerated. ClinVar contains an entry for this variant (Variation ID: 457364). This variant has not been reported in the literature in individuals affected with RAD50-related conditions. This variant is not present in population databases (gnomAD no frequency). This sequence change replaces glutamine, which is neutral and polar, with arginine, which is basic and polar, at codon 361 of the RAD50 protein (p.Gln361Arg).

NM_005732.4(RAD50):c.1082A>G (p.Gln361Arg)

Gene: RAD50 (RAD50 double strand break repair protein; plus strand). Cytogenetic location: 5q31.1.
Variant type: single nucleotide variant.
Coding change: c.1082A>G on transcript NM_005732.4 (MANE Select); coding-DNA position 1082, A replaced by G.
Protein change: p.Gln361Arg; replaces glutamine 361 with arginine.
Molecular consequence: missense variant.
Genome position (GRCh38, 1-based): chr5:132,588,717, A>G. VCF-style: chr5-132588717-A-G. GRCh37 (hg19) VCF-style: chr5-131924409-A-G.
Other names: short protein forms Q361R.
Identifiers: ClinVar variation 457364 (VCV000457364.12), dbSNP rs1554098242, ClinGen allele CA360942145.